The following is an entry in ClinVar:

ClinVar aggregate classification (germline): Uncertain significance (1 of 4 stars; one submission).

Conditions:
Neuronal ceroid lipofuscinosis. Also called: Neuronal Ceroid Lipofuscinoses. Identifiers: Orphanet 216, Orphanet 79263, MedGen C0027877, MONDO:0016295. Disease mechanism: loss of function.

Submission:

Labcorp Genetics (formerly Invitae), Labcorp
Classification: Uncertain significance for Neuronal ceroid lipofuscinosis. Last evaluated: 2021-10-14. Review status: criteria provided, single submitter. Criteria: Invitae Variant Classification Sherloc (09022015). Collection method: clinical testing. Allele origin: germline.
Comment: This sequence change replaces isoleucine with phenylalanine at codon 133 of the CLN3 protein (p.Ile133Phe). The isoleucine residue is weakly conserved and there is a small physicochemical difference between isoleucine and phenylalanine. This variant is not present in population databases (ExAC no frequency). This variant has not been reported in the literature in individuals with CLN3-related conditions. Algorithms developed to predict the effect of missense changes on protein structure and function (SIFT, PolyPhen-2, Align-GVGD) all suggest that this variant is likely to be tolerated, but these predictions have not been confirmed by published functional studies and their clinical significance is uncertain. In summary, the available evidence is currently insufficient to determine the role of this variant in disease. Therefore, it has been classified as a Variant of Uncertain Significance.

NM_001042432.2(CLN3):c.397A>T (p.Ile133Phe)

Gene: CLN3 (CLN3 lysosomal/endosomal transmembrane protein, battenin; minus strand). Cytogenetic location: 16p12.1.
Variant type: single nucleotide variant.
Coding change: c.397A>T on transcript NM_001042432.2 (MANE Select); coding-DNA position 397, A replaced by T.
Protein change: p.Ile133Phe; replaces isoleucine 133 with phenylalanine.
Molecular consequence: missense variant.
Genome position (GRCh38, 1-based): chr16:28,487,519, T>A on the plus strand (A>T on the coding strand, the complement: CLN3 is on the minus strand). VCF-style: chr16-28487519-T-A. GRCh37 (hg19) VCF-style: chr16-28498840-T-A.
Other names: c.397A>T, p.Ile133Phe (NM_000086.2); c.325A>T, p.Ile109Phe (NM_001286104.2); c.97A>T, p.Ile33Phe (NM_001286105.2); c.163A>T, p.Ile55Phe (NM_001286109.2); c.235A>T, p.Ile79Phe (NM_001286110.2); short protein forms I33F, I79F, I109F, I133F, I55F.
Identifiers: ClinVar variation 1443629 (VCV001443629.3), dbSNP rs1295659689, ClinGen allele CA395345938.